The following is an entry in ClinVar:

NM_000230.3(LEP):c.132C>T (p.Asp44=)

Gene: LEP (leptin; plus strand). Cytogenetic location: 7q32.1.
Variant type: single nucleotide variant.
Coding change: c.132C>T on transcript NM_000230.3 (MANE Select); coding-DNA position 132, C replaced by T.
Protein change: p.Asp44=; no amino-acid change (aspartic acid 44 retained).
Molecular consequence: synonymous variant.
Genome position (GRCh38, 1-based): chr7:128,252,150, C>T. VCF-style: chr7-128252150-C-T. GRCh37 (hg19) VCF-style: chr7-127892203-C-T.
Identifiers: ClinVar variation 3042985 (VCV003042985.2), dbSNP rs372064089, ClinGen allele CA4469633.

ClinVar aggregate classification (germline): Likely benign (0 of 4 stars; one submission).

Conditions:
LEP-related disorder. Also called: LEP-related condition.

Allele frequency attached by ClinVar (database versions not stated): gnomAD 0.00001; TOPMed 0.00001; ExAC 0.00003; gnomAD exomes 0.00003; ESP Exome Variant Server 0.00008; 1000 Genomes Project 30x 0.00016; 1000 Genomes Project 0.00020.
gnomAD v4.1: 44 of 1,614,192 alleles (0.0027%); highest among the groups gnomAD compares: Non-Finnish European, 0.0035%; no homozygotes.

Submission:

PreventionGenetics, part of Exact Sciences
Classification: Likely benign for LEP-related condition. Last evaluated: 2019-07-09. Review status: no assertion criteria provided. Collection method: clinical testing. Allele origin: germline.
Comment: This variant is classified as likely benign based on ACMG/AMP sequence variant interpretation guidelines (Richards et al. 2015 PMID: 25741868, with internal and published modifications).